The following is an entry in ClinVar:

ClinVar aggregate classification (germline): Conflicting classifications of pathogenicity. Review status: criteria provided, conflicting classifications (1 of 4 stars). 4 submissions from 4 submitters: Uncertain significance (1); Likely benign (2). 1 of the submissions does not count toward it. Last evaluated 2026-01-07.

Conditions:
CD46-related disorder. Also called: CD46-related condition.
Atypical hemolytic-uremic syndrome with MCP/CD46 anomaly. Also called: HEMOLYTIC UREMIC SYNDROME, ATYPICAL, SUSCEPTIBILITY TO, 2; AHUS, SUSCEPTIBILITY TO, 2. Identifiers: Orphanet 2134, MedGen C2752040, MONDO:0013040, OMIM 612922.

Allele frequency attached by ClinVar (database versions not stated): ESP Exome Variant Server 0.00023; gnomAD 0.00024 and 0.00026; TOPMed 0.00033; gnomAD exomes 0.00034 and 0.00037; ExAC 0.00036.
gnomAD v4.1: 532 of 1,612,870 alleles (0.033%); highest among the groups gnomAD compares: Admixed American, 0.053%; no homozygotes.

Submissions (4):

Labcorp Genetics (formerly Invitae), Labcorp
Classification: Likely benign. Last evaluated: 2026-01-07. Review status: criteria provided, single submitter. Criteria: Invitae Variant Classification Sherloc (09022015). Collection method: clinical testing. Allele origin: germline.

Blueprint Genetics
Classification: Likely benign. Last evaluated: 2024-09-03. Review status: criteria provided, single submitter. Criteria: ACMG Guidelines, 2015. Collection method: clinical testing. Allele origin: germline.

Illumina Laboratory Services, Illumina
Classification: Uncertain significance for Atypical hemolytic-uremic syndrome with MCP/CD46 anomaly. Last evaluated: 2018-01-13. Review status: criteria provided, single submitter. Criteria: ICSL Variant Classification Criteria 13 December 2019. Collection method: clinical testing. Allele origin: germline.

PreventionGenetics, part of Exact Sciences
Classification: Likely benign for CD46-related condition. Last evaluated: 2019-03-14. Review status: no assertion criteria provided. Collection method: clinical testing. Allele origin: germline. Not counted in ClinVar's aggregate classification.
Comment: This variant is classified as likely benign based on ACMG/AMP sequence variant interpretation guidelines (Richards et al. 2015 PMID: 25741868, with internal and published modifications).

NM_172351.3(CD46):c.276C>T (p.Asp92=)

Gene: CD46 (CD46 molecule; plus strand). Cytogenetic location: 1q32.2.
Variant type: single nucleotide variant.
Coding change: c.276C>T on transcript NM_172351.3 (MANE Select); coding-DNA position 276, C replaced by T.
Protein change: p.Asp92=; no amino-acid change (aspartic acid 92 retained).
Molecular consequence: synonymous variant.
Genome position (GRCh38, 1-based): chr1:207,757,192, C>T. VCF-style: chr1-207757192-C-T. GRCh37 (hg19) VCF-style: chr1-207930537-C-T.
Other names: c.276C>T, p.Asp92= (LRG_155t1, NM_002389.4, NM_153826.4 and 9 more transcripts).
Identifiers: ClinVar variation 294968 (VCV000294968.16), dbSNP rs148383499, ClinGen allele CA1371565.
Genomic context (GRCh38, chr1:207,757,192, plus strand): 5'-TCCTCTTGCCACCCATACTATTTGTGATCGGAATCATACATGGCTACCTGTCTCAGATGA[C>T]GCCTGTTATAGTAAGTAAACAAACCTCTTTTTTTTTTCTGCTTGCTCTAGAGATTTGCAT-3'
Protein context (NP_758861.1, residues 82-102): RNHTWLPVSD[Asp92=]ACYRETCPYI